The following is an entry in ClinVar:

ClinVar aggregate classification (germline): Uncertain significance. Review status: criteria provided, multiple submitters, no conflicts (2 of 4 stars). 2 submissions from 2 submitters: Uncertain significance (2). Last evaluated 2025-06-11.

Conditions:
Inborn genetic diseases. Identifiers: MedGen C0950123, MeSH D030342.

Allele frequency attached by ClinVar (database versions not stated): 1000 Genomes Project 30x 0.00016; gnomAD 0.00001; gnomAD exomes below 0.00001; 1000 Genomes Project 0.00020.
gnomAD v4.1: 8 of 1,503,278 alleles (0.00053%); highest among the groups gnomAD compares: East Asian, 0.0074%; no homozygotes.

Submissions (2):

Ambry Genetics
Classification: Uncertain significance for Inborn genetic diseases. Last evaluated: 2025-06-11. Review status: criteria provided, single submitter. Criteria: Ambry Variant Classification Scheme 2023. Collection method: clinical testing. Allele origin: germline.

Labcorp Genetics (formerly Invitae), Labcorp
Classification: Uncertain significance. Last evaluated: 2022-02-12. Review status: criteria provided, single submitter. Criteria: Invitae Variant Classification Sherloc (09022015). Collection method: clinical testing. Allele origin: germline.
Comment: This sequence change replaces leucine, which is neutral and non-polar, with phenylalanine, which is neutral and non-polar, at codon 970 of the ADAMTS10 protein (p.Leu970Phe). This variant is not present in population databases (gnomAD no frequency). This variant has not been reported in the literature in individuals affected with ADAMTS10-related conditions. Algorithms developed to predict the effect of missense changes on protein structure and function are either unavailable or do not agree on the potential impact of this missense change (SIFT: "Deleterious"; PolyPhen-2: "Possibly Damaging"; Align-GVGD: "Class C0"). In summary, the available evidence is currently insufficient to determine the role of this variant in disease. Therefore, it has been classified as a Variant of Uncertain Significance.

NM_030957.4(ADAMTS10):c.2908C>T (p.Leu970Phe)

Gene: ADAMTS10 (ADAM metallopeptidase with thrombospondin type 1 motif 10; minus strand). Cytogenetic location: 19p13.2.
Variant type: single nucleotide variant.
Coding change: c.2908C>T on transcript NM_030957.4 (MANE Select); coding-DNA position 2908, C replaced by T.
Protein change: p.Leu970Phe; replaces leucine 970 with phenylalanine.
Molecular consequence: missense variant.
Genome position (GRCh38, 1-based): chr19:8,585,266, G>A on the plus strand (C>T on the coding strand, the complement: ADAMTS10 is on the minus strand). VCF-style: chr19-8585266-G-A. GRCh37 (hg19) VCF-style: chr19-8650150-G-A.
Other names: c.1369C>T, p.Leu457Phe (NM_001282352.2); c.2908C>T (NM_030957.2); short protein forms L457F, L970F.
Identifiers: ClinVar variation 1990093 (VCV001990093.2), dbSNP rs554577943, ClinGen allele CA304997196.